The following is an entry in ClinVar:

ClinVar aggregate classification (germline): Uncertain significance. Review status: criteria provided, multiple submitters, no conflicts (2 of 4 stars). 2 submissions from 2 submitters: Uncertain significance (2). Last evaluated 2025-11-05.

Conditions:
Hereditary cancer-predisposing syndrome. Also called: Tumor predisposition; Hereditary neoplastic syndrome; Neoplastic Syndromes, Hereditary; Hereditary Cancer Syndrome. Identifiers: Orphanet 140162, MedGen C0027672, MeSH D009386, MONDO:0015356.

Submissions (2):

Labcorp Genetics (formerly Invitae), Labcorp
Classification: Uncertain significance. Last evaluated: 2025-11-05. Review status: criteria provided, single submitter. Criteria: Invitae Variant Classification Sherloc (09022015). Collection method: clinical testing. Allele origin: germline.
Comment: This sequence change replaces alanine, which is neutral and non-polar, with valine, which is neutral and non-polar, at codon 668 of the POLE protein (p.Ala668Val). This variant is not present in population databases (gnomAD no frequency). This variant has not been reported in the literature in individuals affected with POLE-related conditions. ClinVar contains an entry for this variant (Variation ID: 857863). Invitae Evidence Modeling of protein sequence and biophysical properties (such as structural, functional, and spatial information, amino acid conservation, physicochemical variation, residue mobility, and thermodynamic stability) indicates that this missense variant is not expected to disrupt POLE protein function with a negative predictive value of 80%. In summary, the available evidence is currently insufficient to determine the role of this variant in disease. Therefore, it has been classified as a Variant of Uncertain Significance.

Ambry Genetics
Classification: Uncertain significance for Hereditary cancer-predisposing syndrome. Last evaluated: 2022-08-11. Review status: criteria provided, single submitter. Criteria: Ambry Variant Classification Scheme 2023. Collection method: clinical testing. Allele origin: germline.
Comment: The p.A668V variant (also known as c.2003C>T), located in coding exon 18 of the POLE gene, results from a C to T substitution at nucleotide position 2003. The alanine at codon 668 is replaced by valine, an amino acid with similar properties. This amino acid position is conserved. In addition, this alteration is predicted to be tolerated by in silico analysis. Since supporting evidence is limited at this time, the clinical significance of this alteration remains unclear.

NM_006231.4(POLE):c.2003C>T (p.Ala668Val)

Gene: POLE (DNA polymerase epsilon, catalytic subunit; minus strand). Cytogenetic location: 12q24.33.
Variant type: single nucleotide variant.
Coding change: c.2003C>T on transcript NM_006231.4 (MANE Select); coding-DNA position 2003, C replaced by T.
Protein change: p.Ala668Val; replaces alanine 668 with valine.
Molecular consequence: missense variant.
Genome position (GRCh38, 1-based): chr12:132,668,658, G>A on the plus strand (C>T on the coding strand, the complement: POLE is on the minus strand). VCF-style: chr12-132668658-G-A. GRCh37 (hg19) VCF-style: chr12-133245244-G-A.
Other names: short protein forms A668V.
Identifiers: ClinVar variation 857863 (VCV000857863.12), dbSNP rs2042853105, ClinGen allele CA387354751.